The following is an entry in ClinVar:

ClinVar aggregate classification (germline): Conflicting classifications of pathogenicity. Review status: criteria provided, conflicting classifications (1 of 4 stars). 3 submissions from 3 submitters: Uncertain significance (2); Likely benign (1). Last evaluated 2025-04-18.

Conditions:
Aicardi-Goutieres syndrome 7 (AGS7). Identifiers: Orphanet 51, MedGen C3888244, MONDO:0014367, OMIM 615846.
Singleton-Merten syndrome 1 (SGMRT1). Also called: Widened medullary cavities of bone, aortic calcification, abnormal dentition, and muscular weakness; Syndrome of widened medullary cavities of the metacarpals and phalanges, aortic calcification and abnormal dentition. Identifiers: Orphanet 85191, MedGen C4225427, MONDO:0024535, OMIM 182250.
IFIH1-related disorder. Also called: IFIH1-related condition.

Allele frequency attached by ClinVar (database versions not stated): gnomAD exomes below 0.00001 and 0.00001; ExAC 0.00002; TOPMed 0.00002; gnomAD 0.00003 and 0.00004.
gnomAD v4.1: 11 of 1,609,048 alleles (0.00068%); highest among the groups gnomAD compares: African/African-American, 0.0013%; no homozygotes.

Submissions (3):

Labcorp Genetics (formerly Invitae), Labcorp
Classification: Likely benign for Aicardi-Goutieres syndrome 7; Singleton-Merten syndrome 1. Last evaluated: 2025-04-18. Review status: criteria provided, single submitter. Criteria: Invitae Variant Classification Sherloc (09022015). Collection method: clinical testing. Allele origin: germline.

Blueprint Genetics
Classification: Uncertain significance. Last evaluated: 2023-06-28. Review status: criteria provided, single submitter. Criteria: ACMG Guidelines, 2015. Collection method: clinical testing. Allele origin: germline.

PreventionGenetics, part of Exact Sciences
Classification: Uncertain significance for IFIH1-related condition. Last evaluated: 2023-05-08. Review status: criteria provided, single submitter. Criteria: ACMG Guidelines, 2015. Collection method: clinical testing. Allele origin: germline.
Comment: The IFIH1 c.2414T>G variant is predicted to result in the amino acid substitution p.Ile805Ser. To our knowledge, this variant has not been reported in the literature. This variant is reported in 0.0062% of alleles in individuals of African descent in gnomAD. At this time, the clinical significance of this variant is uncertain due to the absence of conclusive functional and genetic evidence.

NM_022168.4(IFIH1):c.2414T>G (p.Ile805Ser)

Gene: IFIH1 (interferon induced with helicase C domain 1; minus strand). Cytogenetic location: 2q24.2.
Variant type: single nucleotide variant.
Coding change: c.2414T>G on transcript NM_022168.4 (MANE Select); coding-DNA position 2414, T replaced by G.
Protein change: p.Ile805Ser; replaces isoleucine 805 with serine.
Molecular consequence: missense variant.
Genome position (GRCh38, 1-based): chr2:162,273,835, A>C on the plus strand (T>G on the coding strand, the complement: IFIH1 is on the minus strand). VCF-style: chr2-162273835-A-C. GRCh37 (hg19) VCF-style: chr2-163130345-A-C.
Other names: short protein forms I805S.
Identifiers: ClinVar variation 972589 (VCV000972589.12), dbSNP rs753623939, ClinGen allele CA1934203.